The following is an entry in ClinVar:

ClinVar aggregate classification (germline): Pathogenic (1 of 4 stars; one submission).

Conditions:
Familial adenomatous polyposis 1 (FAP1). Also called: POLYPOSIS, ADENOMATOUS INTESTINAL; FAMILIAL ADENOMATOUS POLYPOSIS 1, ATTENUATED. Identifiers: MedGen C2713442, MONDO:0021056, OMIM 175100. Disease mechanism: loss of function.

Submission:

Labcorp Genetics (formerly Invitae), Labcorp
Classification: Pathogenic for Familial adenomatous polyposis 1. Last evaluated: 2017-06-21. Review status: criteria provided, single submitter. Criteria: Invitae Variant Classification Sherloc (09022015). Collection method: clinical testing. Allele origin: germline.
Comment: For these reasons, this variant has been classified as Pathogenic. While this particular variant has not been reported in the literature, loss-of-function variants in APC are known to be pathogenic (PMID: 20685668, 17963004). In addition, multiple truncating variants downstream of this variant have been reported as pathogenic in individuals with familial adenomatous polyposis (PMID: 17064931, 23159591, Invitae). This variant is not present in population databases (ExAC no frequency). This sequence change results in a premature translational stop signal in the APC gene (p.Thr946Asnfs*9). While this is not anticipated to result in nonsense mediated decay, it is expected to disrupt the last 1,898 amino acids of the APC protein.

Literature cited by the submitters: PubMed 20685668; PubMed 17963004; PubMed 17064931; PubMed 23159591.

NM_000038.6(APC):c.2837del (p.Thr946fs)

Gene: APC (APC regulator of Wnt signaling pathway; plus strand). Cytogenetic location: 5q22.2.
Variant type: Deletion.
Coding change: c.2837del on transcript NM_000038.6 (MANE Select); coding-DNA position 2837, one base deleted (C; older notation c.2837delC).
Protein change: p.Thr946fs; shifts the reading frame from threonine 946.
Molecular consequence: frameshift variant.
Genome position (GRCh38, 1-based): chr5:112,838,431, C deleted. VCF-style (leftmost placement, unchanged base first): chr5-112838430-AC-A. GRCh37 (hg19) VCF-style: chr5-112174127-AC-A.
Other names: c.2837del, p.Thr946fs (NM_001127510.3, NM_001354895.2); c.2783del, p.Thr928fs (NM_001127511.3); c.2891del, p.Thr964fs (NM_001354896.2); c.2867del, p.Thr956fs (NM_001354897.2); c.2762del, p.Thr921fs (NM_001354898.2); c.2753del, p.Thr918fs (NM_001354899.2); c.2714del, p.Thr905fs (NM_001354900.2); c.2660del, p.Thr887fs (NM_001354901.2); and 5 more; short protein forms T786fs, T887fs, T905fs, T921fs, T956fs, T855fs, T928fs, T946fs.
Identifiers: ClinVar variation 469776 (VCV000469776.10), dbSNP rs1554084529, ClinGen allele CA658655993.